The following is an entry in ClinVar:

ClinVar aggregate classification (germline): Pathogenic. Review status: criteria provided, single submitter (1 of 4 stars). 2 submissions from 2 submitters: Pathogenic (1). 1 of the submissions does not count toward it. Last evaluated 2023-03-04.

Conditions:
Junctional epidermolysis bullosa gravis of Herlitz. Also called: Herlitz-type junctional epidermolysis bullosa; EPIDERMOLYSIS BULLOSA JUNCTIONALIS, HERLITZ TYPE; EPIDERMOLYSIS BULLOSA, JUNCTIONAL, HERLITZ-PEARSON TYPE; Epidermolysis Bullosa Letalis; JEB-HERLITZ TYPE; EPIDERMOLYSIS BULLOSA, JUNCTIONAL 1B, SEVERE. Identifiers: Orphanet 79404, MedGen C0079683, MONDO:0009182, OMIM 226700.

Submissions (2):

Labcorp Genetics (formerly Invitae), Labcorp
Classification: Pathogenic. Last evaluated: 2023-03-04. Review status: criteria provided, single submitter. Criteria: Invitae Variant Classification Sherloc (09022015). Collection method: clinical testing. Allele origin: germline.
Comment: This variant is also known as 3356delG. ClinVar contains an entry for this variant (Variation ID: 370421). This variant disrupts a region of the LAMC2 protein in which other variant(s) (p.Thr1132Asnfs*38) have been determined to be pathogenic (PMID: 11564184). This suggests that this is a clinically significant region of the protein, and that variants that disrupt it are likely to be disease-causing. For these reasons, this variant has been classified as Pathogenic. This premature translational stop signal has been observed in individual(s) with junctional epidermolysis bullosa (PMID: 16473856). This sequence change creates a premature translational stop signal (p.Leu1120Trpfs*22) in the LAMC2 gene. While this is not anticipated to result in nonsense mediated decay, it is expected to disrupt the last 74 amino acid(s) of the LAMC2 protein. This variant is not present in population databases (gnomAD no frequency).

Counsyl
Classification: Likely pathogenic for Junctional epidermolysis bullosa gravis of Herlitz. Last evaluated: 2016-02-05. Review status: no assertion criteria provided. Collection method: clinical testing. Allele origin: unknown. Not counted in ClinVar's aggregate classification.

Literature cited by the submitters: PubMed 11564184 (cited by Labcorp Genetics (formerly Invitae), Labcorp); PubMed 16473856 (cited by Labcorp Genetics (formerly Invitae), Labcorp and Counsyl).

NM_005562.3(LAMC2):c.3357del (p.Leu1120fs)

Gene: LAMC2 (laminin subunit gamma 2; plus strand). Cytogenetic location: 1q25.3.
Variant type: Deletion.
Coding change: c.3357del on transcript NM_005562.3 (MANE Select); coding-DNA position 3357, one base deleted (G; older notation c.3357delG).
Protein change: p.Leu1120fs; shifts the reading frame from leucine 1120.
Molecular consequence: frameshift variant.
Genome position (GRCh38, 1-based): chr1:183,243,175, G deleted; the last of 4 consecutive G bases (chr1:183,243,172-183,243,175); deleting any one gives the same sequence. VCF-style (leftmost placement, unchanged base first): chr1-183243171-AG-A. GRCh37 (hg19) VCF-style: chr1-183212306-AG-A.
Other names: short protein forms L1120fs.
Identifiers: ClinVar variation 370421 (VCV000370421.6), dbSNP rs1057516473, ClinGen allele CA16040686.